The following is an entry in ClinVar:

ClinVar aggregate classification (germline): Uncertain significance. Review status: criteria provided, multiple submitters, no conflicts (2 of 4 stars). 2 submissions from 2 submitters: Uncertain significance (2). Last evaluated 2025-01-30.

Conditions:
Telangiectasia, hereditary hemorrhagic, type 5 (HHT5). Identifiers: Orphanet 774, MedGen C3809710, MONDO:0014217, OMIM 615506.

Submissions (2):

GeneDx
Classification: Uncertain significance. Last evaluated: 2025-01-30. Review status: criteria provided, single submitter. Criteria: GeneDx Variant Classification Process June 2021. Collection method: clinical testing. Allele origin: germline. Affected: yes.
Comment: Not observed at significant frequency in large population cohorts (gnomAD); In silico analysis indicates that this missense variant does not alter protein structure/function; Has not been previously published as pathogenic or benign to our knowledge

Labcorp Genetics (formerly Invitae), Labcorp
Classification: Uncertain significance for Telangiectasia, hereditary hemorrhagic, type 5. Last evaluated: 2024-05-06. Review status: criteria provided, single submitter. Criteria: Invitae Variant Classification Sherloc (09022015). Collection method: clinical testing. Allele origin: germline.
Comment: This sequence change replaces cysteine, which is neutral and slightly polar, with tyrosine, which is neutral and polar, at codon 356 of the GDF2 protein (p.Cys356Tyr). This variant is not present in population databases (gnomAD no frequency). This variant has not been reported in the literature in individuals affected with GDF2-related conditions. An algorithm developed to predict the effect of missense changes on protein structure and function (PolyPhen-2) suggests that this variant is likely to be disruptive. In summary, the available evidence is currently insufficient to determine the role of this variant in disease. Therefore, it has been classified as a Variant of Uncertain Significance.

NM_016204.4(GDF2):c.1067G>A (p.Cys356Tyr)

Gene: GDF2 (growth differentiation factor 2; plus strand). Cytogenetic location: 10q11.22.
Variant type: single nucleotide variant.
Coding change: c.1067G>A on transcript NM_016204.4 (MANE Select); coding-DNA position 1067, G replaced by A.
Protein change: p.Cys356Tyr; replaces cysteine 356 with tyrosine.
Molecular consequence: missense variant.
Genome position (GRCh38, 1-based): chr10:47,325,561, G>A. VCF-style: chr10-47325561-G-A. GRCh37 (hg19) VCF-style: chr10-48413801-C-T.
Other names: short protein forms C356Y.
Identifiers: ClinVar variation 3618398 (VCV003618398.3).
Genomic context (GRCh38, chr10:47,325,561, plus strand): 5'-TCGAGGACATCGGCTGGGACAGCTGGATCATTGCACCCAAGGAGTATGAAGCCTACGAGT[G>A]TAAGGGCGGCTGCTTCTTCCCCTTGGCTGACGATGTGACGCCGACGAAACACGCTATCGT-3'
Protein context (NP_057288.1, residues 346-366): IAPKEYEAYE[Cys356Tyr]KGGCFFPLAD